The following is an entry in ClinVar:

ClinVar aggregate classification (germline): Uncertain significance (1 of 4 stars; one submission).

Submission:

GeneDx
Classification: Uncertain significance. Last evaluated: 2026-03-25. Review status: criteria provided, single submitter. Criteria: GeneDx Variant Classification Process June 2021. Collection method: clinical testing. Allele origin: germline.
Comment: Not observed at significant frequency in large population cohorts (gnomAD); In-frame deletion of 1 amino acid(s) in a non-repeat region; In silico analysis supports a deleterious effect on protein structure/function; Has not been previously published as pathogenic or benign to our knowledge

NM_001104631.2(PDE4D):c.1918GAG[1] (p.Glu641del)

Gene: PDE4D (phosphodiesterase 4D; minus strand). Cytogenetic location: 5q11.2.
Variant type: Microsatellite.
Coding change: c.1918GAG[1] on transcript NM_001104631.2 (MANE Select); one copy of the 3-base unit GAG starting at c.1918; the reference has two copies in a row; one copy, 3 bases deleted.
Protein change: p.Glu641del; deletes glutamic acid 641.
Molecular consequence: inframe deletion.
Genome position (GRCh38, 1-based): chr5:58,975,747-58,975,749, CTC deleted on the plus strand (GAG on the coding strand, the reverse complement: PDE4D is on the minus strand); deleting any 3 consecutive bases within chr5:58,975,747-58,975,753 gives the same sequence; the position shown is the placement nearest the transcript's 3' end. VCF-style (leftmost placement, unchanged base first): chr5-58975746-ACTC-A. GRCh37 (hg19) VCF-style: chr5-58271573-ACTC-A.
Other names: c.1735GAG[1], p.Glu580del (NM_001165899.2, NM_001364599.1); c.1726GAG[1], p.Glu577del (NM_001197218.2); c.1552GAG[1], p.Glu519del (NM_001197219.2); c.1528GAG[1], p.Glu511del (NM_001197220.2); c.1012GAG[1], p.Glu339del (NM_001197221.2, NM_001364603.1); c.1246GAG[1], p.Glu417del (NM_001197222.2); c.1045GAG[1], p.Glu350del (NM_001197223.2); c.1705GAG[1], p.Glu570del (NM_001349241.2); and 3 more; short protein forms E339del, E350del, E385del, E417del, E505del, E511del, E519del, E531del.
Identifiers: ClinVar variation 5016999 (VCV005016999.1).